The following is an entry in ClinVar:

NM_001042545.2(LTBP4):c.3475A>G (p.Thr1159Ala)

Gene: LTBP4 (latent transforming growth factor beta binding protein 4; plus strand). Cytogenetic location: 19q13.2.
Variant type: single nucleotide variant.
Coding change: c.3475A>G on transcript NM_001042545.2 (MANE Select); coding-DNA position 3475, A replaced by G.
Protein change: p.Thr1159Ala; replaces threonine 1159 with alanine.
Molecular consequence: missense variant.
Genome position (GRCh38, 1-based): chr19:40,622,658, A>G. VCF-style: chr19-40622658-A-G. GRCh37 (hg19) VCF-style: chr19-41128563-A-G.
Other names: c.3676A>G, p.Thr1226Ala (NM_001042544.1); c.3565A>G, p.Thr1189Ala (NM_003573.2); short protein forms T1189A, T1226A, T1159A.
Identifiers: ClinVar variation 2100544 (VCV002100544.3), dbSNP rs367771682, ClinGen allele CA9449010.

ClinVar aggregate classification (germline): Uncertain significance (1 of 4 stars; one submission).

Allele frequency attached by ClinVar (database versions not stated): ExAC 0.00001; gnomAD exomes 0.00001; TOPMed 0.00001; gnomAD 0.00002; ESP Exome Variant Server 0.00008.
gnomAD v4.1: 17 of 1,601,700 alleles (0.0011%); highest among the groups gnomAD compares: Non-Finnish European, 0.0014%; no homozygotes.

Submission:

Labcorp Genetics (formerly Invitae), Labcorp
Classification: Uncertain significance. Last evaluated: 2023-12-11. Review status: criteria provided, single submitter. Criteria: Invitae Variant Classification Sherloc (09022015). Collection method: clinical testing. Allele origin: germline.
Comment: This sequence change replaces threonine, which is neutral and polar, with alanine, which is neutral and non-polar, at codon 1189 of the LTBP4 protein (p.Thr1189Ala). This variant is present in population databases (rs367771682, gnomAD 0.003%). This variant has not been reported in the literature in individuals affected with LTBP4-related conditions. ClinVar contains an entry for this variant (Variation ID: 2100544). Experimental studies and prediction algorithms are not available or were not evaluated, and the functional significance of this variant is currently unknown. In summary, the available evidence is currently insufficient to determine the role of this variant in disease. Therefore, it has been classified as a Variant of Uncertain Significance.